The following is an entry in ClinVar:

NM_000088.4(COL1A1):c.3118G>A (p.Gly1040Ser)

Gene: COL1A1 (collagen type I alpha 1 chain; minus strand). Cytogenetic location: 17q21.33.
Variant type: single nucleotide variant.
Coding change: c.3118G>A on transcript NM_000088.4 (MANE Select); coding-DNA position 3118, G replaced by A.
Protein change: p.Gly1040Ser; replaces glycine 1040 with serine.
Molecular consequence: missense variant.
Genome position (GRCh38, 1-based): chr17:50,188,619, C>T on the plus strand (G>A on the coding strand, the complement: COL1A1 is on the minus strand). VCF-style: chr17-50188619-C-T. GRCh37 (hg19) VCF-style: chr17-48265980-C-T.
Other names: G862S; c.3118G>A (LRG_1t1); short protein forms G1040S.
Identifiers: ClinVar variation 17330 (VCV000017330.28), dbSNP rs72653178, ClinGen allele CA257899.

ClinVar aggregate classification (germline): Pathogenic. Review status: criteria provided, multiple submitters, no conflicts (2 of 4 stars). 13 submissions from 13 submitters: Pathogenic (11). 2 of the submissions do not count toward it. Last evaluated 2025-08-12.

Conditions:
autosomal dominant COL1A1-related osteogenesis imperfecta.
COL1A1-related disorder. Also called: COL1A1-related condition; COL1A1- related disease.
Osteogenesis imperfecta type I (OI1). Also called: Lobstein disease; Lobstein's Disease; OI, TYPE I; OSTEOGENESIS IMPERFECTA TARDA; OSTEOGENESIS IMPERFECTA WITH BLUE SCLERAE; Osteogenesis imperfecta type 1. Identifiers: Orphanet 216796, Orphanet 666, MedGen C0023931, MONDO:0008146, OMIM 166200. Disease mechanism: loss of function.
Osteogenesis imperfecta type III (OI3). Also called: Osteogenesis imperfecta type 3; OI type 3; Osteogenesis imperfecta, progressively deforming with normal sclerae; OI type III; Progressively Deforming Osteogenesis Imperfecta. Identifiers: Orphanet 216812, Orphanet 666, MedGen C0268362, MONDO:0009804, OMIM 259420.
Osteogenesis imperfecta, perinatal lethal (OI2). Also called: OI, TYPE II; OSTEOGENESIS IMPERFECTA, TYPE II; OSTEOGENESIS IMPERFECTA CONGENITA; VROLIK TYPE OF OSTEOGENESIS IMPERFECTA; Osteogenesis imperfecta, dominant perinatal lethal; Osteogenesis imperfecta type 2. Identifiers: Orphanet 216804, MedGen C0268358, MONDO:0008147, OMIM 166210.

Submissions 1 to 8 of 13:

Variantyx, Inc.
Classification: Pathogenic for autosomal dominant COL1A1-related osteogenesis imperfecta. Last evaluated: 2025-08-12. Review status: criteria provided, single submitter. Criteria: Variantyx Assertion Criteria 2022. Collection method: clinical testing. Allele origin: de novo. Inheritance: Autosomal dominant inheritance. Affected: yes.
Comment: This is a nonsynonymous variant in the COL1A1 gene (OMIM: 120150). Pathogenic variants in this gene have been associated with autosomal dominant COL1A1-related osteogenesis imperfecta. This variant has been reported in many unrelated affected individuals (PMID: 18670065, 17078022, 7789952, 27509835 ) (PS4_Very_Strong). Functional studies have shown that this variant alters COL1A1 protein function (PMID: 18670065) (PS3). Multiple computational algorithms predict a deleterious effect for this variant (REVEL score: 0.98) (PP3). This variant is absent from control populations (PM2). Based on the current evidence, this variant is classified as pathogenic for autosomal dominant COL1A1-related osteogenesis imperfecta.

3billion
Classification: Pathogenic for Osteogenesis imperfecta type III. Last evaluated: 2025-07-15. Review status: criteria provided, single submitter. Criteria: ACMG Guidelines, 2015. Collection method: clinical testing. Allele origin: germline. Affected: yes.
Comment: The variant is not observed in the gnomAD v4.1.0 dataset. Predicted Consequence/Location: Missense variant In silico tool predictions suggest damaging effect of the variant on gene or gene product [REVEL: 0.98 (>=0.6, sensitivity 0.68 and specificity 0.92); 3Cnet: 0.99 (> 0.75, sensitivity 0.96 and precision 0.92)]. The same nucleotide change resulting in the same amino acid change has been previously reported as pathogenic/likely pathogenic with strong evidence (ClinVar ID: VCV000017330 /PMID: 8125479 /3billion dataset). The variant has been previously reported as de novo in at least two similarly affected unrelated individuals (PMID: 25944380). Different missense changes at the same codon (p.Gly1040Ala, p.Gly1040Arg) have been reported to be associated with COL1A1-related disorder (ClinVar ID: VCV001806458, VCV003835085 /PMID: 36951356). Therefore, this variant is classified as Pathogenic according to the recommendation of ACMG/AMP guideline.

Clinical Biomedical Laboratory, Shriners Hospital For Children - Canada
Classification: Pathogenic for Osteogenesis imperfecta type III. Last evaluated: 2025-06-18. Review status: criteria provided, single submitter. Criteria: ACMG Guidelines, 2015. Collection method: clinical testing. Allele origin: germline. Affected: yes.
Comment: This variant is predicted to substitute a glycine residue by a serine residue in the alpha 2 chain of collagen type I. This variant is absent from gnomAD (v2.1.1) indicating it is very rare. This variant has been reported in the literature (PMID: 27509835). We have observed this variant in 7 individuals with a diagnosis of osteogenesis imperfecta. Computational tools (Revel 0.98) suggest that the change is detrimental to protein function. Glycine substitutions in the triple helical domain of collagen type I cause disruption in the formation of the triple helix in the collagen molecule and are a typical cause of osteogenesis imperfecta.

Labcorp Genetics (formerly Invitae), Labcorp
Classification: Pathogenic for Osteogenesis imperfecta type I. Last evaluated: 2024-06-16. Review status: criteria provided, single submitter. Criteria: Invitae Variant Classification Sherloc (09022015). Collection method: clinical testing. Allele origin: germline.
Comment: This sequence change replaces glycine, which is neutral and non-polar, with serine, which is neutral and polar, at codon 1040 of the COL1A1 protein (p.Gly1040Ser). This variant is not present in population databases (gnomAD no frequency). This missense change has been observed in individual(s) with osteogenesis imperfecta type III and osteogenesis imperfecta type III or IV (PMID: 7789952, 18670065, 18798308, 26177859, 27509835). In at least one individual the variant was observed to be de novo. ClinVar contains an entry for this variant (Variation ID: 17330). Advanced modeling of protein sequence and biophysical properties (such as structural, functional, and spatial information, amino acid conservation, physicochemical variation, residue mobility, and thermodynamic stability) performed at Invitae indicates that this missense variant is expected to disrupt COL1A1 protein function with a positive predictive value of 95%. Experimental studies have shown that this missense change affects COL1A1 function (PMID: 7695699, 8218237, 9016532, 17078022, 18670065, 19344236). This variant disrupts the triple helix domain of COL1A1. Glycine residues within the Gly-Xaa-Yaa repeats of the triple helix domain are required for the structure and stability of fibrillar collagens (PMID: 7695699, 8218237, 19344236). In COL1A1, variants affecting these glycine residues are significantly enriched in individuals with disease (PMID: 9016532, 17078022) compared to the general population (ExAC). For these reasons, this variant has been classified as Pathogenic.

Blueprint Genetics
Classification: Pathogenic for COL1A1-related disorders. Last evaluated: 2023-04-26. Review status: criteria provided, single submitter. Criteria: ACMG Guidelines, 2015. Collection method: clinical testing. Allele origin: germline. Affected: yes. Observed: 1 variant allele.

Revvity Omics, Revvity
Classification: Pathogenic. Last evaluated: 2023-01-10. Review status: criteria provided, single submitter. Criteria: ACMG Guidelines, 2015. Collection method: clinical testing. Allele origin: germline.

GeneDx
Classification: Pathogenic. Last evaluated: 2022-03-21. Review status: criteria provided, single submitter. Criteria: GeneDx Variant Classification Process June 2021. Collection method: clinical testing. Allele origin: germline. Affected: yes.
Comment: Occurs in the triple helical domain and replaces the glycine in the canonical Gly-X-Y repeat; missense substitution of a canonical glycine residue is expected to disrupt normal protein folding and function, and this is an established mechanism of disease (HGMD); Not observed in large population cohorts (gnomAD); In silico analysis, which includes protein predictors and evolutionary conservation, supports a deleterious effect; This variant is associated with the following publications: (PMID: 9101304, 32234057, 8125479, 27509835, 26177859, 29499418, 18670065, 18798308, 7789952, 30886339, 31715670, 31994750, 32436246, 32123938, 33939306)

Department of Medical Genetics, Sanjay Gandhi Post Graduate Institute of Medical Sciences
Classification: Pathogenic for Osteogenesis imperfecta, perinatal lethal. Last evaluated: 2022-02-25. Review status: criteria provided, single submitter. Criteria: ACMG Guidelines, 2015. Collection method: research. Allele origin: de novo. Inheritance: Autosomal dominant inheritance. Affected: yes. Observed: 1 heterozygote.
Comment: There by showing the de novo nature of this variant. c.3118G>A is a missense variant. Occurs in the triple helical domain and replaces the glycine in the canonical Gly-X-Y repeat; missense substitution of a canonical glycine residue is expected to disrupt normal protein folding and function, and this is an established mechanism of disease (HGMD); Not observed in large population cohorts (gnomAD); In silico analysis, which includes protein predictors and evolutionary conservation, supports a deleterious effect. This variant has been classified as pathogenic according to the ACMG guidelines (PP5, PM1, PM2, PP2, PP3)